The following is an entry in ClinVar:

ClinVar aggregate classification (germline): Uncertain significance (1 of 4 stars; one submission).

Conditions:
Hypertrophic cardiomyopathy 12. Identifiers: MedGen C2677491, MONDO:0012804, OMIM 612124.

Submission:

Petrovsky National Research Centre of Surgery, The Federal Agency for Scientific Organizations
Classification: Uncertain significance for Hypertrophic cardiomyopathy 12. Last evaluated: 2023-02-17. Review status: criteria provided, single submitter. Criteria: ACMG Guidelines, 2015. Collection method: clinical testing. Allele origin: germline. Inheritance: Autosomal dominant inheritance. Affected: yes. Observed: 1 heterozygote.
Comment: The c.372C>T is absent in The Genome Aggregation Database (gnomAD) (Date of access: 17-02-2023). Clinvar does not contain an entry for this variant. In accordance with ACMG(2015) criteria this synonymous variant is classified as Variant with Uncertain Significance with following criteria selected: PM2, BP7.

NM_003476.5(CSRP3):c.372C>T (p.Gly124=)

Gene: CSRP3 (cysteine and glycine rich protein 3; minus strand). Cytogenetic location: 11p15.1.
Variant type: single nucleotide variant.
Coding change: c.372C>T on transcript NM_003476.5 (MANE Select); coding-DNA position 372, C replaced by T.
Protein change: p.Gly124=; no amino-acid change (glycine 124 retained).
Molecular consequence: synonymous variant. On other transcripts: missense variant (1).
Genome position (GRCh38, 1-based): chr11:19,186,258, G>A on the plus strand (C>T on the coding strand, the complement: CSRP3 is on the minus strand). VCF-style: chr11-19186258-G-A. GRCh37 (hg19) VCF-style: chr11-19207805-G-A.
Other names: c.372C>T, p.Gly124= (NM_001127656.1); c.203C>T, p.Ala68Val (NM_001369404.1); short protein forms A68V.
Identifiers: ClinVar variation 2430373 (VCV002430373.2), dbSNP rs2494220273, ClinGen allele CA473394598.